The following is an entry in ClinVar:

NM_000321.3(RB1):c.1135A>G (p.Met379Val)

Gene: RB1 (RB transcriptional corepressor 1; plus strand). Cytogenetic location: 13q14.2.
Variant type: single nucleotide variant.
Coding change: c.1135A>G on transcript NM_000321.3 (MANE Select); coding-DNA position 1135, A replaced by G.
Protein change: p.Met379Val; replaces methionine 379 with valine.
Molecular consequence: missense variant.
Genome position (GRCh38, 1-based): chr13:48,373,412, A>G. VCF-style: chr13-48373412-A-G. GRCh37 (hg19) VCF-style: chr13-48947548-A-G.
Other names: c.1135A>G, p.Met379Val (NM_001407165.1, NM_001407166.1); short protein forms M379V.
Identifiers: ClinVar variation 2585743 (VCV002585743.2), dbSNP rs2138130913, ClinGen allele CA388161439.
Genomic context (GRCh38, chr13:48,373,412, plus strand): 5'-CTTTTTTTCTCCCTTCATTGCTTAACACATTTTCCTATTTTTATCCCCTCTAGGACTGTT[A>G]TGAACACTATCCAACAATTAATGATGATTTTAAATTCAGCAAGTGATCAACCTTCAGAAA-3'
Protein context (NP_000312.2, residues 369-389): IPPHTPVRTV[Met379Val]NTIQQLMMIL

ClinVar aggregate classification (germline): Uncertain significance (1 of 4 stars; one submission).

Conditions:
Hereditary cancer-predisposing syndrome. Also called: Hereditary neoplastic syndrome; Tumor predisposition; Hereditary Cancer Syndrome; Neoplastic Syndromes, Hereditary. Identifiers: Orphanet 140162, MedGen C0027672, MeSH D009386, MONDO:0015356.

Submission:

Ambry Genetics
Classification: Uncertain significance for Hereditary cancer-predisposing syndrome. Last evaluated: 2023-09-07. Review status: criteria provided, single submitter. Criteria: Ambry Variant Classification Scheme 2023. Collection method: clinical testing. Allele origin: germline.
Comment: The p.M379V variant (also known as c.1135A>G), located in coding exon 12 of the RB1 gene, results from an A to G substitution at nucleotide position 1135. The methionine at codon 379 is replaced by valine, an amino acid with highly similar properties. This amino acid position is conserved. In addition, this alteration is predicted to be deleterious by in silico analysis. Since supporting evidence is limited at this time, the clinical significance of this alteration remains unclear.